The following is an entry in ClinVar:

ClinVar aggregate classification (germline): Uncertain significance (1 of 4 stars; one submission).

gnomAD v4.1: 5 of 1,614,212 alleles (0.00031%); highest among the groups gnomAD compares: Non-Finnish European, 0.00025%; no homozygotes.

Submission:

GeneDx
Classification: Uncertain significance. Last evaluated: 2026-03-27. Review status: criteria provided, single submitter. Criteria: GeneDx Variant Classification Process June 2021. Collection method: clinical testing. Allele origin: germline.
Comment: In silico analysis supports that this missense variant has a deleterious effect on protein structure/function; Has not been previously published as pathogenic or benign to our knowledge

NM_032188.3(KAT8):c.965C>G (p.Pro322Arg)

Gene: KAT8 (lysine acetyltransferase 8; plus strand). Cytogenetic location: 16p11.2.
Variant type: single nucleotide variant.
Coding change: c.965C>G on transcript NM_032188.3 (MANE Select); coding-DNA position 965, C replaced by G.
Protein change: p.Pro322Arg; replaces proline 322 with arginine.
Molecular consequence: missense variant.
Genome position (GRCh38, 1-based): chr16:31,130,319, C>G. VCF-style: chr16-31130319-C-G. GRCh37 (hg19) VCF-style: chr16-31141640-C-G.
Other names: c.965C>G, p.Pro322Arg (NM_182958.4); short protein forms P322R.
Identifiers: ClinVar variation 5017672 (VCV005017672.1).